The following is an entry in ClinVar:

NM_032638.5(GATA2):c.1173A>G (p.Glu391=)

Gene: GATA2 (GATA binding protein 2; minus strand). Cytogenetic location: 3q21.3.
Variant type: single nucleotide variant.
Coding change: c.1173A>G on transcript NM_032638.5 (MANE Select); coding-DNA position 1173, A replaced by G.
Protein change: p.Glu391=; no amino-acid change (glutamic acid 391 retained).
Molecular consequence: synonymous variant.
Genome position (GRCh38, 1-based): chr3:128,481,289, T>C on the plus strand (A>G on the coding strand, the complement: GATA2 is on the minus strand). VCF-style: chr3-128481289-T-C. GRCh37 (hg19) VCF-style: chr3-128200132-T-C.
Other names: c.1173A>G, p.Glu391= (NM_001145661.2); c.1131A>G, p.Glu377= (NM_001145662.1); c.1173A>G (NM_001145661.1).
Identifiers: ClinVar variation 412752 (VCV000412752.19), dbSNP rs145076941, ClinGen allele CA2599825.

ClinVar aggregate classification (germline): Benign/Likely benign. Review status: criteria provided, multiple submitters, no conflicts (2 of 4 stars). 6 submissions from 6 submitters: Benign (1); Likely benign (4). 1 of the submissions does not count toward it. Last evaluated 2025-11-19.

Conditions:
GATA2-related disorder. Also called: GATA2-Related Disorders; GATA2-related condition.
Inborn genetic diseases. Identifiers: MedGen C0950123, MeSH D030342.
Hereditary cancer-predisposing syndrome. Also called: Neoplastic Syndromes, Hereditary; Tumor predisposition; Hereditary Cancer Syndrome; Hereditary neoplastic syndrome. Identifiers: Orphanet 140162, MedGen C0027672, MeSH D009386, MONDO:0015356.
Monocytopenia with susceptibility to infections. Also called: IMMUNODEFICIENCY 21; GATA2 DEFICIENCY; MONOCYTOPENIA AND MYCOBACTERIAL INFECTION SYNDROME; MONOCYTOPENIA WITH SUSCEPTIBILITY TO MYCOBACTERIAL, FUNGAL, AND PAPILLOMAVIRUS INFECTIONS AND MYELODYSPLASIA; COMBINED IMMUNODEFICIENCY WITH SUSCEPTIBILITY TO MYCOBACTERIAL, VIRAL, AND FUNGAL INFECTIONS; Dendritic cell, monocyte, B lymphocyte, and natural killer lymphocyte deficiency. Identifiers: Orphanet 228423, MedGen C3280030, MONDO:0013607, OMIM 614172.
Deafness-lymphedema-leukemia syndrome. Also called: Lymphedema, primary, with myelodysplasia; Emberger syndrome. Identifiers: Orphanet 3226, MedGen C3279664, MONDO:0013540, OMIM 614038.

Allele frequency attached by ClinVar (database versions not stated): gnomAD exomes 0.00004 and 0.00012; 1000 Genomes Project 30x 0.00016; 1000 Genomes Project 0.00020; ExAC 0.00020; gnomAD 0.00039 and 0.00041; TOPMed 0.00049; ESP Exome Variant Server 0.00077.

Submissions (6):

Labcorp Genetics (formerly Invitae), Labcorp
Classification: Benign for Monocytopenia with susceptibility to infections; Deafness-lymphedema-leukemia syndrome. Last evaluated: 2025-11-19. Review status: criteria provided, single submitter. Criteria: Invitae Variant Classification Sherloc (09022015). Collection method: clinical testing. Allele origin: germline.

Ambry Genetics
Classification: Likely benign for Inborn genetic diseases. Last evaluated: 2024-08-21. Review status: criteria provided, single submitter. Criteria: Ambry Variant Classification Scheme 2023. Collection method: clinical testing. Allele origin: germline.

Sema4
Classification: Likely benign for Hereditary cancer-predisposing syndrome. Last evaluated: 2021-12-28. Review status: criteria provided, single submitter. Criteria: Sema4 Curation Guidelines. Collection method: curation. Allele origin: germline.

Genetic Services Laboratory, University of Chicago
Classification: Likely benign. Last evaluated: 2021-08-12. Review status: criteria provided, single submitter. Criteria: ACMG Guidelines, 2015. Collection method: clinical testing. Allele origin: germline. Affected: no.

Breakthrough Genomics
Classification: Likely benign. Review status: criteria provided, single submitter. Criteria: ACMG Guidelines, 2015. Collection method: not provided. Allele origin: germline. Inheritance: Autosomal dominant inheritance. Affected: yes.

PreventionGenetics, part of Exact Sciences
Classification: Likely benign for GATA2-related condition. Last evaluated: 2020-04-27. Review status: no assertion criteria provided. Collection method: clinical testing. Allele origin: germline. Not counted in ClinVar's aggregate classification.
Comment: This variant is classified as likely benign based on ACMG/AMP sequence variant interpretation guidelines (Richards et al. 2015 PMID: 25741868, with internal and published modifications).